The following is an entry in ClinVar:

NM_001852.4(COL9A2):c.1870+5G>C

Gene: COL9A2 (collagen type IX alpha 2 chain; minus strand). Cytogenetic location: 1p34.2.
Variant type: single nucleotide variant.
Coding change: c.1870+5G>C on transcript NM_001852.4 (MANE Select); 5 bases into the intron after coding-DNA position 1870, G replaced by C.
Molecular consequence: intron variant.
Genome position (GRCh38, 1-based): chr1:40,301,807, C>G on the plus strand (G>C on the coding strand, the complement: COL9A2 is on the minus strand). VCF-style: chr1-40301807-C-G. GRCh37 (hg19) VCF-style: chr1-40767479-C-G.
Identifiers: ClinVar variation 546305 (VCV000546305.7), dbSNP rs372342860, ClinGen allele CA791302.

ClinVar aggregate classification (germline): Uncertain significance. Review status: criteria provided, multiple submitters, no conflicts (2 of 4 stars). 2 submissions from 2 submitters: Uncertain significance (2). Last evaluated 2024-12-02.

Allele frequency attached by ClinVar (database versions not stated): gnomAD exomes 0.00001; ExAC 0.00002; gnomAD 0.00003; TOPMed 0.00004; ESP Exome Variant Server 0.00015.
gnomAD v4.1: 5 of 1,613,832 alleles (0.00031%); highest among the groups gnomAD compares: African/African-American, 0.0067%; no homozygotes.

Submissions (2):

Labcorp Genetics (formerly Invitae), Labcorp
Classification: Uncertain significance. Last evaluated: 2024-12-02. Review status: criteria provided, single submitter. Criteria: Invitae Variant Classification Sherloc (09022015). Collection method: clinical testing. Allele origin: germline.
Comment: This sequence change falls in intron 31 of the COL9A2 gene. It does not directly change the encoded amino acid sequence of the COL9A2 protein. It affects a nucleotide within the consensus splice site. This variant is present in population databases (rs372342860, gnomAD 0.008%). This variant has not been reported in the literature in individuals affected with COL9A2-related conditions. ClinVar contains an entry for this variant (Variation ID: 546305). Variants that disrupt the consensus splice site are a relatively common cause of aberrant splicing (PMID: 17576681, 9536098). Algorithms developed to predict the effect of sequence changes on RNA splicing suggest that this variant may disrupt the consensus splice site. In summary, the available evidence is currently insufficient to determine the role of this variant in disease. Therefore, it has been classified as a Variant of Uncertain Significance.

GeneDx
Classification: Uncertain significance. Last evaluated: 2018-05-16. Review status: criteria provided, single submitter. Criteria: GeneDx Variant Classification (06012015). Collection method: clinical testing. Allele origin: germline. Affected: yes.
Comment: The c.1870+5 G>C variant in the COL9A2 gene has not been reported as pathogenic or benign to our knowledge. This variant is observed in 2/23,942 (0.008%) African alleles in large population cohorts (Lek et al., 2016), indicating this is not a common benign variant. Multiple in silico splice algorithms predict the c.1870+5 G>C variant may result in reduced efficiency of the natural splice donor site for intron 31. However, in the absence of functional mRNA studies, the physiological consequence of this variant cannot be precisely determined. Finally, this nucleotide position is not conserved and cytosine (C) is the wild type allele in at least two species. Therefore, based on the currently available information, it is unclear whether this variant is pathogenic or rare benign.

Literature cited by the submitters: PubMed 17576681 (cited by Labcorp Genetics (formerly Invitae), Labcorp); PubMed 9536098 (cited by Labcorp Genetics (formerly Invitae), Labcorp).